The following is an entry in ClinVar:

NM_004463.3(FGD1):c.2034del (p.Asp679fs)

Gene: FGD1 (FYVE, RhoGEF and PH domain containing 1; minus strand). Cytogenetic location: Xp11.22.
Variant type: Deletion.
Coding change: c.2034del on transcript NM_004463.3 (MANE Select); coding-DNA position 2034, one base deleted (A; older notation c.2034delA).
Protein change: p.Asp679fs; shifts the reading frame from aspartic acid 679.
Molecular consequence: frameshift variant.
Genome position (GRCh38, 1-based): chrX:54,450,283, T deleted on the plus strand (A on the coding strand, the reverse complement: FGD1 is on the minus strand); the first of 3 consecutive T bases (chrX:54,450,283-54,450,285); deleting any one gives the same sequence. VCF-style (leftmost placement, unchanged base first): chrX-54450282-CT-C. GRCh37 (hg19) VCF-style: chrX-54476715-CT-C.
Other names: c.2034delA (NM_004463.3); short protein forms D679fs.
Identifiers: ClinVar variation 3747858 (VCV003747858.1).
Genomic context (GRCh38, chrX:54,450,282, plus strand): 5'-GACCTGTTAATACTCTTCTAGCCCCCTACCACAGAGCCTTGGATGTTACCTGGACCCAGT[CT>C]TTCTTCTCCTCCTCAGTCCTTGGGGTGGGGAATAAAAAAGAAAGATGTTTGGTTAGGTAG-3'

ClinVar aggregate classification (germline): Likely pathogenic (0 of 4 stars; one submission).

Conditions:
Aarskog syndrome (AAS). Also called: Aarskog Scott syndrome; Aarskog disease; Aarskog-Scott syndrome, X-linked; FGD1-Related Faciogenital Dysplasia (Aarskog-Scott Syndrome); FGDY. Identifiers: Orphanet 915, MedGen C0175701, MONDO:0010589, OMIM 305400.

Submission:

Istanbul Faculty of Medicine, Istanbul University
Classification: Likely pathogenic for Aarskog syndrome. Last evaluated: 2024-10-02. Review status: no assertion criteria provided. Collection method: clinical testing. Allele origin: germline. Affected: yes. Observed: 1 variant allele.
Comment: PVS1, PM2